The following is an entry in ClinVar:

NM_133433.4(NIPBL):c.308_311dup (p.Asn105fs)

Gene: NIPBL (NIPBL cohesin loading factor; plus strand). Cytogenetic location: 5p13.2.
Variant type: Duplication.
Coding change: c.308_311dup on transcript NM_133433.4 (MANE Select); coding-DNA positions 308 to 311, 4 bases duplicated (GTCC; older notation c.308_311dupGTCC).
Protein change: p.Asn105fs; shifts the reading frame from asparagine 105.
Molecular consequence: frameshift variant.
Genome position (GRCh38, 1-based): chr5:36,958,181-36,958,184, GTCC duplicated. VCF-style (leftmost placement, unchanged base first): chr5-36958180-A-AGTCC. GRCh37 (hg19) VCF-style: chr5-36958282-A-AGTCC.
Other names: c.308_311dup, p.Asn105fs (NM_015384.5); short protein forms N105fs.
Identifiers: ClinVar variation 955276 (VCV000955276.7), dbSNP rs1741192008, ClinGen allele CA1139658780.

ClinVar aggregate classification (germline): Pathogenic (1 of 4 stars; one submission).

Conditions:
Cornelia de Lange syndrome 1 (CDLS1). Also called: Brachmann de Lange syndrome; TYPUS DEGENERATIVUS AMSTELODAMENSIS; NIPBL-Related Cornelia de Lange Syndrome. Identifiers: Orphanet 199, MedGen C4551851, MONDO:0007387, OMIM 122470.

Submission:

Labcorp Genetics (formerly Invitae), Labcorp
Classification: Pathogenic for Cornelia de Lange syndrome 1. Last evaluated: 2019-09-17. Review status: criteria provided, single submitter. Criteria: Invitae Variant Classification Sherloc (09022015). Collection method: clinical testing. Allele origin: germline.
Comment: For these reasons, this variant has been classified as Pathogenic. Loss-of-function variants in NIPBL are known to be pathogenic (PMID: 15318302, 19763162, 23505322, 29995837). This variant has not been reported in the literature in individuals with NIPBL-related conditions. This variant is not present in population databases (ExAC no frequency). This sequence change creates a premature translational stop signal (p.Asn105Serfs*2) in the NIPBL gene. It is expected to result in an absent or disrupted protein product.

Literature cited by the submitters: PubMed 15318302; PubMed 19763162; PubMed 23505322; PubMed 29995837.